The following is an entry in ClinVar:

ClinVar aggregate classification (germline): Likely benign (1 of 4 stars; one submission).

gnomAD v4.1: 3 of 1,612,572 alleles (0.00019%); highest among the groups gnomAD compares: Admixed American, 0.005%; no homozygotes.

Submission:

Molecular Diagnostic Laboratory for Inherited Cardiovascular Disease, Montreal Heart Institute
Classification: Likely benign. Last evaluated: 2025-04-09. Review status: criteria provided, single submitter. Criteria: ACMG Guidelines, 2015. Collection method: clinical testing. Allele origin: germline. Affected: no.
Comment: BP7

NM_198060.4(NRAP):c.2358T>C (p.Tyr786=)

Gene: NRAP (nebulin related anchoring protein; minus strand). Cytogenetic location: 10q25.3.
Variant type: single nucleotide variant.
Coding change: c.2358T>C on transcript NM_198060.4 (MANE Select); coding-DNA position 2358, T replaced by C.
Protein change: p.Tyr786=; no amino-acid change (tyrosine 786 retained).
Molecular consequence: synonymous variant. On other transcripts: intron variant (1).
Genome position (GRCh38, 1-based): chr10:113,623,628, A>G on the plus strand (T>C on the coding strand, the complement: NRAP is on the minus strand). VCF-style: chr10-113623628-A-G. GRCh37 (hg19) VCF-style: chr10-115383387-A-G.
Other names: c.2358T>C, p.Tyr786= (NM_001261463.2); c.2253T>C, p.Tyr751= (NM_006175.5); c.2349+1198T>C (NM_001322945.2).
Identifiers: ClinVar variation 3895315 (VCV003895315.1), dbSNP rs528003679.